The following is an entry in ClinVar:

NM_052947.4(ALPK2):c.2735C>G (p.Ala912Gly)

Gene: ALPK2 (alpha kinase 2; minus strand). Cytogenetic location: 18q21.31.
Variant type: single nucleotide variant.
Coding change: c.2735C>G on transcript NM_052947.4 (MANE Select); coding-DNA position 2735, C replaced by G.
Protein change: p.Ala912Gly; replaces alanine 912 with glycine.
Molecular consequence: missense variant.
Genome position (GRCh38, 1-based): chr18:58,537,452, G>C on the plus strand (C>G on the coding strand, the complement: ALPK2 is on the minus strand). VCF-style: chr18-58537452-G-C. GRCh37 (hg19) VCF-style: chr18-56204684-G-C.
Other names: short protein forms A912G.
Identifiers: ClinVar variation 2449215 (VCV002449215.2), dbSNP rs2518877313, ClinGen allele CA402569894.

ClinVar aggregate classification (germline): Uncertain significance (1 of 4 stars; one submission).

Submission:

Ambry Genetics
Classification: Uncertain significance. Last evaluated: 2022-11-26. Review status: criteria provided, single submitter. Criteria: Ambry Variant Classification Scheme 2023. Collection method: clinical testing. Allele origin: germline.
Comment: The p.A912G variant (also known as c.2735C>G), located in coding exon 4 of the ALPK2 gene, results from a C to G substitution at nucleotide position 2735. The alanine at codon 912 is replaced by glycine, an amino acid with similar properties. This amino acid position is conserved. In addition, this alteration is predicted to be tolerated by in silico analysis. Since supporting evidence is limited at this time, the clinical significance of this alteration remains unclear.